The following is an entry in ClinVar:

ClinVar aggregate classification (germline): Uncertain significance (1 of 4 stars; one submission).

Conditions:
Ataxia-telangiectasia syndrome (AT). Also called: LOUIS-BAR SYNDROME; Cerebello-oculocutaneous telangiectasia; Immunodeficiency with ataxia telangiectasia; ATAXIA-TELANGIECTASIA, COMPLEMENTATION GROUP A; ATAXIA-TELANGIECTASIA, FRESNO VARIANT; Ataxia-telangiectasia, complementation group D. Identifiers: Orphanet 100, MedGen C0004135, MONDO:0008840, OMIM 208900.

Submission:

Labcorp Genetics (formerly Invitae), Labcorp
Classification: Uncertain significance for Ataxia-telangiectasia syndrome. Last evaluated: 2024-07-03. Review status: criteria provided, single submitter. Criteria: Invitae Variant Classification Sherloc (09022015). Collection method: clinical testing. Allele origin: germline.
Comment: This sequence change replaces arginine, which is basic and polar, with glycine, which is neutral and non-polar, at codon 1437 of the ATM protein (p.Arg1437Gly). This variant is not present in population databases (gnomAD no frequency). This variant has not been reported in the literature in individuals affected with ATM-related conditions. An algorithm developed to predict the effect of missense changes on protein structure and function (PolyPhen-2) suggests that this variant is likely to be disruptive. In summary, the available evidence is currently insufficient to determine the role of this variant in disease. Therefore, it has been classified as a Variant of Uncertain Significance.

NM_000051.4(ATM):c.4309A>G (p.Arg1437Gly)

Gene: ATM (ATM serine/threonine kinase; plus strand). Cytogenetic location: 11q22.3.
Variant type: single nucleotide variant.
Coding change: c.4309A>G on transcript NM_000051.4 (MANE Select); coding-DNA position 4309, A replaced by G.
Protein change: p.Arg1437Gly; replaces arginine 1437 with glycine.
Molecular consequence: missense variant.
Genome position (GRCh38, 1-based): chr11:108,289,674, A>G. VCF-style: chr11-108289674-A-G. GRCh37 (hg19) VCF-style: chr11-108160401-A-G.
Other names: c.4309A>G, p.Arg1437Gly (NM_001351834.2); short protein forms R1437G.
Identifiers: ClinVar variation 3658577 (VCV003658577.2).